The following is an entry in ClinVar:

NM_000245.4(MET):c.2018C>G (p.Thr673Ser)

Gene: MET (MET proto-oncogene, receptor tyrosine kinase; plus strand). Cytogenetic location: 7q31.2.
Variant type: single nucleotide variant.
Coding change: c.2018C>G on transcript NM_000245.4 (MANE Select); coding-DNA position 2018, C replaced by G.
Protein change: p.Thr673Ser; replaces threonine 673 with serine.
Molecular consequence: missense variant.
Genome position (GRCh38, 1-based): chr7:116,757,690, C>G. VCF-style: chr7-116757690-C-G. GRCh37 (hg19) VCF-style: chr7-116397744-C-G.
Other names: c.2018C>G, p.Thr673Ser (NM_001127500.3, NM_001324401.3); c.728C>G, p.Thr243Ser (NM_001324402.2); short protein forms T673S, T243S.
Identifiers: ClinVar variation 1415025 (VCV001415025.9), dbSNP rs1401138460, ClinGen allele CA368979772.

ClinVar aggregate classification (germline): Uncertain significance. Review status: criteria provided, multiple submitters, no conflicts (2 of 4 stars). 2 submissions from 2 submitters: Uncertain significance (2). Last evaluated 2025-08-13.

Conditions:
Renal cell carcinoma. Identifiers: Orphanet 217071, MedGen C0007134, MeSH D002292, MONDO:0005086, HP:0005584.
Hereditary cancer-predisposing syndrome. Also called: Hereditary Cancer Syndrome; Tumor predisposition; Hereditary neoplastic syndrome; Neoplastic Syndromes, Hereditary. Identifiers: Orphanet 140162, MedGen C0027672, MeSH D009386, MONDO:0015356.

Allele frequency attached by ClinVar (database versions not stated): TOPMed below 0.00001.

Submissions (2):

Ambry Genetics
Classification: Uncertain significance for Hereditary cancer-predisposing syndrome. Last evaluated: 2025-08-13. Review status: criteria provided, single submitter. Criteria: Ambry Variant Classification Scheme 2023. Collection method: clinical testing. Allele origin: germline.
Comment: The p.T673S variant (also known as c.2018C>G), located in coding exon 7 of the MET gene, results from a C to G substitution at nucleotide position 2018. The threonine at codon 673 is replaced by serine, an amino acid with similar properties. This amino acid position is highly conserved in available vertebrate species. In addition, the in silico prediction for this alteration is inconclusive. Since supporting evidence is limited at this time, the clinical significance of this alteration remains unclear.

Labcorp Genetics (formerly Invitae), Labcorp
Classification: Uncertain significance for Renal cell carcinoma. Last evaluated: 2025-06-06. Review status: criteria provided, single submitter. Criteria: Invitae Variant Classification Sherloc (09022015). Collection method: clinical testing. Allele origin: germline.
Comment: This sequence change replaces threonine, which is neutral and polar, with serine, which is neutral and polar, at codon 673 of the MET protein (p.Thr673Ser). This variant is not present in population databases (gnomAD no frequency). This variant has not been reported in the literature in individuals affected with MET-related conditions. ClinVar contains an entry for this variant (Variation ID: 1415025). Invitae Evidence Modeling of protein sequence and biophysical properties (such as structural, functional, and spatial information, amino acid conservation, physicochemical variation, residue mobility, and thermodynamic stability) indicates that this missense variant is not expected to disrupt MET protein function with a negative predictive value of 80%. In summary, the available evidence is currently insufficient to determine the role of this variant in disease. Therefore, it has been classified as a Variant of Uncertain Significance.